The following is an entry in ClinVar:

ClinVar aggregate classification (germline): Pathogenic (1 of 4 stars; one submission).

Conditions:
ADNP-related multiple congenital anomalies - intellectual disability - autism spectrum disorder. Also called: Helsmoortel-Van der Aa Syndrome; ADNP-Related Helsmoortel-Van der Aa Syndrome. Identifiers: Orphanet 404448, MedGen C4014538, MONDO:0014379, OMIM 615873. Disease mechanism: loss of function.

Submission:

GeneDx
Classification: Pathogenic. Last evaluated: 2022-11-28. Review status: criteria provided, single submitter. Criteria: GeneDx Variant Classification Process June 2021. Collection method: clinical testing. Allele origin: germline. Affected: yes.
Comment: Nonsense variant predicted to result in protein truncation, as the last 735 amino acids are lost, and other loss-of-function variants have been reported downstream in HGMD; Not observed at significant frequency in large population cohorts (gnomAD); This variant is associated with the following publications: (PMID: 32758449, 29724491, 33004838, 25363760, 25057125, 24531329, 25217958, 31685013, 30107084, 25169753, 28221363, 31526516, 31029150)

NM_001282531.3(ADNP):c.1102C>T (p.Gln368Ter)

Gene: ADNP (activity dependent neuroprotector homeobox; minus strand). Cytogenetic location: 20q13.13.
Variant type: single nucleotide variant.
Coding change: c.1102C>T on transcript NM_001282531.3 (MANE Select); coding-DNA position 1102, C replaced by T.
Protein change: p.Gln368Ter; replaces glutamine 368 with a stop codon.
Molecular consequence: nonsense.
Genome position (GRCh38, 1-based): chr20:50,893,612, G>A on the plus strand (C>T on the coding strand, the complement: ADNP is on the minus strand). VCF-style: chr20-50893612-G-A. GRCh37 (hg19) VCF-style: chr20-49510149-G-A.
Other names: c.1102C>T, p.Gln368Ter (NM_015339.5, NM_001282532.2, NM_001347511.2 and 1 more transcripts); short protein forms Q368*.
Identifiers: ClinVar variation 338748 (VCV000338748.8), dbSNP rs886056775, ClinGen allele CA10653227.